The following is an entry in ClinVar:

NM_001353214.3(DYM):c.760G>T (p.Ala254Ser)

Gene: DYM (dymeclin; minus strand). Cytogenetic location: 18q21.1.
Variant type: single nucleotide variant.
Coding change: c.760G>T on transcript NM_001353214.3 (MANE Select); coding-DNA position 760, G replaced by T.
Protein change: p.Ala254Ser; replaces alanine 254 with serine.
Molecular consequence: missense variant. On other transcripts: intron variant (4).
Genome position (GRCh38, 1-based): chr18:49,331,867, C>A on the plus strand (G>T on the coding strand, the complement: DYM is on the minus strand). VCF-style: chr18-49331867-C-A. GRCh37 (hg19) VCF-style: chr18-46858237-C-A.
Other names: c.760G>T, p.Ala254Ser (NM_001353210.3, NM_001353213.3, NM_001353215.3 and 10 more transcripts); c.757G>T, p.Ala253Ser (NM_001353211.3, NM_001353212.3, NM_001374429.1 and 1 more transcripts); c.634G>T, p.Ala212Ser (NM_001374432.1, NM_001374436.1); c.760G>T (NM_017653.3); c.532G>T, p.Ala178Ser (NM_001374440.1); c.194-45254G>T (NM_001374443.1); c.194-45251G>T (NM_001374444.1, NM_001374442.1, NM_001374441.1); short protein forms A253S, A254S, A178S, A212S.
Identifiers: ClinVar variation 2063318 (VCV002063318.7), dbSNP rs769012833, ClinGen allele CA8958271.

ClinVar aggregate classification (germline): Uncertain significance. Review status: criteria provided, multiple submitters, no conflicts (2 of 4 stars). 2 submissions from 2 submitters: Uncertain significance (2). Last evaluated 2025-08-22.

Conditions:
Inborn genetic diseases. Identifiers: MedGen C0950123, MeSH D030342.

Allele frequency attached by ClinVar (database versions not stated): ExAC 0.00001; gnomAD 0.00001.
gnomAD v4.1: 7 of 1,613,914 alleles (0.00043%); highest among the groups gnomAD compares: Non-Finnish European, 0.00059%; no homozygotes.

Submissions (2):

Ambry Genetics
Classification: Uncertain significance for Inborn genetic diseases. Last evaluated: 2025-08-22. Review status: criteria provided, single submitter. Criteria: Ambry Variant Classification Scheme 2023. Collection method: clinical testing. Allele origin: germline.

Labcorp Genetics (formerly Invitae), Labcorp
Classification: Uncertain significance. Last evaluated: 2025-04-23. Review status: criteria provided, single submitter. Criteria: Invitae Variant Classification Sherloc (09022015). Collection method: clinical testing. Allele origin: germline.
Comment: This sequence change replaces alanine, which is neutral and non-polar, with serine, which is neutral and polar, at codon 254 of the DYM protein (p.Ala254Ser). This variant is present in population databases (rs769012833, gnomAD 0.0009%). This variant has not been reported in the literature in individuals affected with DYM-related conditions. ClinVar contains an entry for this variant (Variation ID: 2063318). Invitae Evidence Modeling of protein sequence and biophysical properties (such as structural, functional, and spatial information, amino acid conservation, physicochemical variation, residue mobility, and thermodynamic stability) has been performed for this missense variant. However, the output from this modeling did not meet the statistical confidence thresholds required to predict the impact of this variant on DYM protein function. In summary, the available evidence is currently insufficient to determine the role of this variant in disease. Therefore, it has been classified as a Variant of Uncertain Significance.